The following is an entry in ClinVar:

ClinVar aggregate classification (germline): Uncertain significance (1 of 4 stars; one submission).

Submission:

Labcorp Genetics (formerly Invitae), Labcorp
Classification: Uncertain significance. Last evaluated: 2021-02-23. Review status: criteria provided, single submitter. Criteria: Invitae Variant Classification Sherloc (09022015). Collection method: clinical testing. Allele origin: germline.
Comment: In summary, the available evidence is currently insufficient to determine the role of this variant in disease. Therefore, it has been classified as a Variant of Uncertain Significance. Experimental studies and prediction algorithms are not available or were not evaluated, and the functional significance of this variant is currently unknown. This variant has not been reported in the literature in individuals with ARMC9-related conditions. This variant is not present in population databases (ExAC no frequency). This sequence change replaces serine with leucine at codon 615 of the ARMC9 protein (p.Ser615Leu). The serine residue is moderately conserved and there is a large physicochemical difference between serine and leucine.

NM_001352754.2(ARMC9):c.1844C>T (p.Ser615Leu)

Gene: ARMC9 (armadillo repeat containing 9; plus strand). Cytogenetic location: 2q37.1.
Variant type: single nucleotide variant.
Coding change: c.1844C>T on transcript NM_001352754.2 (MANE Select); coding-DNA position 1844, C replaced by T.
Protein change: p.Ser615Leu; replaces serine 615 with leucine.
Molecular consequence: missense variant. On other transcripts: non-coding transcript variant (1), intron variant (1).
Genome position (GRCh38, 1-based): chr2:231,331,863, C>T. VCF-style: chr2-231331863-C-T. GRCh37 (hg19) VCF-style: chr2-232196575-C-T.
Other names: c.1844C>T, p.Ser615Leu (NM_001271466.4, NM_001291656.2, NM_001352755.2 and 2 more transcripts); c.1745C>T, p.Ser582Leu (NM_001352757.2, NM_001352758.2); c.1774-13112C>T (NM_001352759.2); short protein forms S615L, S582L.
Identifiers: ClinVar variation 1468170 (VCV001468170.6), dbSNP rs2125558169, ClinGen allele CA350963366.